The following is an entry in ClinVar:

ClinVar aggregate classification (germline): Uncertain significance. Review status: criteria provided, multiple submitters, no conflicts (2 of 4 stars). 2 submissions from 2 submitters: Uncertain significance (2). Last evaluated 2024-02-20.

Conditions:
Hereditary cancer-predisposing syndrome. Also called: Tumor predisposition; Hereditary Cancer Syndrome; Neoplastic Syndromes, Hereditary; Hereditary neoplastic syndrome. Identifiers: Orphanet 140162, MedGen C0027672, MeSH D009386, MONDO:0015356.
Familial cancer of breast. Also called: BREAST CANCER, FAMILIAL; Hereditary breast cancer; hereditary breast carcinoma. Identifiers: Orphanet 227535, MedGen C0346153, MONDO:0016419, OMIM 114480. Disease mechanism: loss of function.

Submissions (2):

Labcorp Genetics (formerly Invitae), Labcorp
Classification: Uncertain significance for Familial cancer of breast. Last evaluated: 2024-02-20. Review status: criteria provided, single submitter. Criteria: Invitae Variant Classification Sherloc (09022015). Collection method: clinical testing. Allele origin: germline.
Comment: This sequence change replaces methionine, which is neutral and non-polar, with lysine, which is basic and polar, at codon 992 of the PALB2 protein (p.Met992Lys). This variant is not present in population databases (gnomAD no frequency). This variant has not been reported in the literature in individuals affected with PALB2-related conditions. ClinVar contains an entry for this variant (Variation ID: 822401). Advanced modeling of protein sequence and biophysical properties (such as structural, functional, and spatial information, amino acid conservation, physicochemical variation, residue mobility, and thermodynamic stability) has been performed at Invitae for this missense variant, however the output from this modeling did not meet the statistical confidence thresholds required to predict the impact of this variant on PALB2 protein function. In summary, the available evidence is currently insufficient to determine the role of this variant in disease. Therefore, it has been classified as a Variant of Uncertain Significance.

Ambry Genetics
Classification: Uncertain significance for Hereditary cancer-predisposing syndrome. Last evaluated: 2019-07-03. Review status: criteria provided, single submitter. Criteria: Ambry Variant Classification Scheme 2023. Collection method: clinical testing. Allele origin: germline.
Comment: The p.M992K variant (also known as c.2975T>A), located in coding exon 9 of the PALB2 gene, results from a T to A substitution at nucleotide position 2975. The methionine at codon 992 is replaced by lysine, an amino acid with similar properties. This amino acid position is not well conserved in available vertebrate species. In addition, the in silico prediction for this alteration is inconclusive. Since supporting evidence is limited at this time, the clinical significance of this alteration remains unclear.

NM_024675.4(PALB2):c.2975T>A (p.Met992Lys)

Gene: PALB2 (partner and localizer of BRCA2; minus strand). Cytogenetic location: 16p12.2.
Variant type: single nucleotide variant.
Coding change: c.2975T>A on transcript NM_024675.4 (MANE Select); coding-DNA position 2975, T replaced by A.
Protein change: p.Met992Lys; replaces methionine 992 with lysine.
Molecular consequence: missense variant.
Genome position (GRCh38, 1-based): chr16:23,622,990, A>T on the plus strand (T>A on the coding strand, the complement: PALB2 is on the minus strand). VCF-style: chr16-23622990-A-T. GRCh37 (hg19) VCF-style: chr16-23634311-A-T.
Other names: short protein forms M992K.
Identifiers: ClinVar variation 822401 (VCV000822401.7), dbSNP rs1597081111, ClinGen allele CA395143941.